The following is an entry in ClinVar:

ClinVar aggregate classification (germline): Uncertain significance (1 of 4 stars; one submission).

Conditions:
Inborn genetic diseases. Identifiers: MedGen C0950123, MeSH D030342.

Allele frequency attached by ClinVar (database versions not stated): ExAC 0.00001; gnomAD 0.00001; TOPMed 0.00001; gnomAD exomes 0.00002; ESP Exome Variant Server 0.00008.
gnomAD v4.1: 24 of 1,612,926 alleles (0.0015%); highest among the groups gnomAD compares: Non-Finnish European, 0.002%; no homozygotes.

Submission:

Ambry Genetics
Classification: Uncertain significance for Inborn genetic diseases. Last evaluated: 2022-04-13. Review status: criteria provided, single submitter. Criteria: Ambry Variant Classification Scheme 2023. Collection method: clinical testing. Allele origin: germline.
Comment: The c.817-3C>T intronic alteration consists of a C to T substitution 3 nucleotides before exon 7 of the PDHX gene. Based on insufficient or conflicting evidence, the clinical significance of this alteration remains unclear.

NM_003477.3(PDHX):c.817-3C>T

Gene: PDHX (pyruvate dehydrogenase complex component X; plus strand). Cytogenetic location: 11p13.
Variant type: single nucleotide variant.
Coding change: c.817-3C>T on transcript NM_003477.3 (MANE Select); 3 bases into the intron before coding-DNA position 817, C replaced by T.
Molecular consequence: intron variant.
Genome position (GRCh38, 1-based): chr11:34,970,136, C>T. VCF-style: chr11-34970136-C-T. GRCh37 (hg19) VCF-style: chr11-34991683-C-T.
Other names: c.637-3C>T (NM_001135024.2); c.343-14434C>T (NM_001166158.2).
Identifiers: ClinVar variation 2279270 (VCV002279270.2), dbSNP rs368318074, ClinGen allele CA5946019.